The following is an entry in ClinVar:

NM_004563.4(PCK2):c.461-7T>G

Genes: NRL (neural retina leucine zipper; minus strand), PCK2 (phosphoenolpyruvate carboxykinase 2, mitochondrial; plus strand). Cytogenetic location: 14q11.2.
Variant type: single nucleotide variant.
Coding change: c.461-7T>G on transcript NM_004563.4 (MANE Select); 7 bases into the intron before coding-DNA position 461, T replaced by G.
Molecular consequence: intron variant.
Genome position (GRCh38, 1-based): chr14:24,098,468, T>G. VCF-style: chr14-24098468-T-G. GRCh37 (hg19) VCF-style: chr14-24567677-T-G.
Other names: c.-27-15593A>C (NM_001354768.3, NM_001354770.2); c.-253-13723A>C (NM_006177.5); c.59-7T>G (NM_001308054.2, NM_001291556.2); c.461-7T>G (NM_001018073.3).
Identifiers: ClinVar variation 3615381 (VCV003615381.2).

ClinVar aggregate classification (germline): Uncertain significance (1 of 4 stars; one submission).

Submission:

Labcorp Genetics (formerly Invitae), Labcorp
Classification: Uncertain significance. Last evaluated: 2024-08-24. Review status: criteria provided, single submitter. Criteria: Invitae Variant Classification Sherloc (09022015). Collection method: clinical testing. Allele origin: germline.
Comment: This sequence change falls in intron 3 of the PCK2 gene. It does not directly change the encoded amino acid sequence of the PCK2 protein. This variant is not present in population databases (gnomAD no frequency). This variant has not been reported in the literature in individuals affected with PCK2-related conditions. Algorithms developed to predict the effect of sequence changes on RNA splicing suggest that this variant may disrupt the consensus splice site. In summary, the available evidence is currently insufficient to determine the role of this variant in disease. Therefore, it has been classified as a Variant of Uncertain Significance.